The following is an entry in ClinVar:

ClinVar aggregate classification (germline): Benign/Likely benign. Review status: criteria provided, multiple submitters, no conflicts (2 of 4 stars). 3 submissions from 3 submitters: Benign (1); Likely benign (2). Last evaluated 2026-02-04.

Conditions:
Hereditary cancer-predisposing syndrome. Also called: Neoplastic Syndromes, Hereditary; Tumor predisposition; Hereditary Cancer Syndrome; Hereditary neoplastic syndrome. Identifiers: Orphanet 140162, MedGen C0027672, MeSH D009386, MONDO:0015356.
Renal cell carcinoma. Identifiers: Orphanet 217071, MedGen C0007134, MeSH D002292, MONDO:0005086, HP:0005584.
Papillary renal cell carcinoma type 1 (RCCP1). Also called: RENAL CELL CARCINOMA, PAPILLARY, 1, SOMATIC; Renal adenocarcinoma; Renal cell carcinoma 1; Renal cell carcinoma, somatic. Identifiers: Orphanet 47044, MedGen C1336839, OMIM 605074, HP:0011797.

Allele frequency attached by ClinVar (database versions not stated): gnomAD exomes below 0.00001; ExAC 0.00001; gnomAD 0.00001; TOPMed 0.00001.
gnomAD v4.1: 17 of 1,613,776 alleles (0.0011%); highest among the groups gnomAD compares: African/African-American, 0.011%; no homozygotes.

Submissions (3):

Labcorp Genetics (formerly Invitae), Labcorp
Classification: Likely benign for Renal cell carcinoma. Last evaluated: 2026-02-04. Review status: criteria provided, single submitter. Criteria: Invitae Variant Classification Sherloc (09022015). Collection method: clinical testing. Allele origin: germline.

Myriad Genetics, Inc.
Classification: Benign for Papillary renal cell carcinoma type 1. Last evaluated: 2024-11-08. Review status: criteria provided, single submitter. Criteria: Myriad Autosomal Dominant, Autosomal Recessive and X-Linked Classification Criteria (2023). Collection method: clinical testing. Allele origin: unknown.
Comment: This variant is considered benign. This variant is a silent/synonymous amino acid change and it is not expected to impact splicing.

Ambry Genetics
Classification: Likely benign for Hereditary cancer-predisposing syndrome. Last evaluated: 2018-01-10. Review status: criteria provided, single submitter. Criteria: Ambry Variant Classification Scheme 2023. Collection method: clinical testing. Allele origin: germline.

NM_000245.4(MET):c.1998C>T (p.Tyr666=)

Gene: MET (MET proto-oncogene, receptor tyrosine kinase; plus strand). Cytogenetic location: 7q31.2.
Variant type: single nucleotide variant.
Coding change: c.1998C>T on transcript NM_000245.4 (MANE Select); coding-DNA position 1998, C replaced by T.
Protein change: p.Tyr666=; no amino-acid change (tyrosine 666 retained).
Molecular consequence: synonymous variant.
Genome position (GRCh38, 1-based): chr7:116,757,670, C>T. VCF-style: chr7-116757670-C-T. GRCh37 (hg19) VCF-style: chr7-116397724-C-T.
Other names: c.1998C>T, p.Tyr666= (NM_001127500.3, NM_001324401.3); c.708C>T, p.Tyr236= (NM_001324402.2).
Identifiers: ClinVar variation 820501 (VCV000820501.14), dbSNP rs566540058, ClinGen allele CA4448354.
Genomic context (GRCh38, chr7:116,757,670, plus strand): 5'-CTTTGTTTTGTTTTTATCTCCCCTCCAGGATCCTGTAATAACAAGTATTTCGCCGAAATA[C>T]GGTCCTATGGCTGGTGGCACTTTACTTACTTTAACTGGAAATTACCTAAACAGTGGGAAT-3'
Protein context (NP_000236.2, residues 656-676): DPVITSISPK[Tyr666=]GPMAGGTLLT